The following is an entry in ClinVar:

ClinVar aggregate classification (germline): Uncertain significance (1 of 4 stars; one submission).

Conditions:
Idiopathic Pulmonary Fibrosis. Also called: Idiopathic fibrosing alveolitis, chronic form; idiopathic fibrosing alveolitis. Identifiers: Orphanet 2032, MedGen C1800706, MeSH D054990, MONDO:0800504.
Dyskeratosis congenita, autosomal dominant 2. Identifiers: MedGen C3151443, MONDO:0013521, OMIM 613989.

gnomAD v4.1: 1 of 1,582,366 alleles (0.000063%); highest among the groups gnomAD compares: Non-Finnish European, 0.000085%; no homozygotes.

Submission:

Labcorp Genetics (formerly Invitae), Labcorp
Classification: Uncertain significance for Dyskeratosis congenita, autosomal dominant 2; Idiopathic Pulmonary Fibrosis. Last evaluated: 2023-01-24. Review status: criteria provided, single submitter. Criteria: Invitae Variant Classification Sherloc (09022015). Collection method: clinical testing. Allele origin: germline.
Comment: This variant is not present in population databases (gnomAD no frequency). In summary, the available evidence is currently insufficient to determine the role of this variant in disease. Therefore, it has been classified as a Variant of Uncertain Significance. Advanced modeling of protein sequence and biophysical properties (such as structural, functional, and spatial information, amino acid conservation, physicochemical variation, residue mobility, and thermodynamic stability) performed at Invitae indicates that this missense variant is expected to disrupt TERT protein function. This variant has not been reported in the literature in individuals affected with TERT-related conditions. This sequence change replaces arginine, which is basic and polar, with leucine, which is neutral and non-polar, at codon 108 of the TERT protein (p.Arg108Leu).

NM_198253.3(TERT):c.323G>T (p.Arg108Leu)

Gene: TERT (telomerase reverse transcriptase; minus strand). Cytogenetic location: 5p15.33.
Variant type: single nucleotide variant.
Coding change: c.323G>T on transcript NM_198253.3 (MANE Select); coding-DNA position 323, G replaced by T.
Protein change: p.Arg108Leu; replaces arginine 108 with leucine.
Molecular consequence: missense variant. On other transcripts: non-coding transcript variant (2).
Genome position (GRCh38, 1-based): chr5:1,294,563, C>A on the plus strand (G>T on the coding strand, the complement: TERT is on the minus strand). VCF-style: chr5-1294563-C-A. GRCh37 (hg19) VCF-style: chr5-1294678-C-A.
Other names: c.323G>T, p.Arg108Leu (NM_001193376.3, NM_003219.1); short protein forms R108L.
Identifiers: ClinVar variation 2942223 (VCV002942223.3), dbSNP rs1579598794, ClinGen allele CA359058307.